The following is an entry in ClinVar:

NM_002528.7(NTHL1):c.812A>C (p.Asn271Thr)

Gene: NTHL1 (nth like DNA glycosylase 1; minus strand). Cytogenetic location: 16p13.3.
Variant type: single nucleotide variant.
Coding change: c.812A>C on transcript NM_002528.7 (MANE Select); coding-DNA position 812, A replaced by C.
Protein change: p.Asn271Thr; replaces asparagine 271 with threonine.
Molecular consequence: missense variant.
Genome position (GRCh38, 1-based): chr16:2,040,027, T>G on the plus strand (A>C on the coding strand, the complement: NTHL1 is on the minus strand). VCF-style: chr16-2040027-T-G. GRCh37 (hg19) VCF-style: chr16-2090028-T-G.
Other names: c.641A>C, p.Asn214Thr (NM_001318193.2); c.482A>C, p.Asn161Thr (NM_001318194.2); short protein forms N161T, N214T, N271T.
Identifiers: ClinVar variation 1001662 (VCV001001662.10), dbSNP rs149287105, ClinGen allele CA276760192.

ClinVar aggregate classification (germline): Uncertain significance. Review status: criteria provided, multiple submitters, no conflicts (2 of 4 stars). 2 submissions from 2 submitters: Uncertain significance (2). Last evaluated 2025-06-04.

Conditions:
Hereditary cancer-predisposing syndrome. Also called: Neoplastic Syndromes, Hereditary; Tumor predisposition; Hereditary Cancer Syndrome; Hereditary neoplastic syndrome. Identifiers: Orphanet 140162, MedGen C0027672, MeSH D009386, MONDO:0015356.

gnomAD v4.1: 1 of 1,612,214 alleles (0.000062%); highest among the groups gnomAD compares: Admixed American, 0.0017%; no homozygotes.

Submissions (2):

Labcorp Genetics (formerly Invitae), Labcorp
Classification: Uncertain significance. Last evaluated: 2025-06-04. Review status: criteria provided, single submitter. Criteria: Invitae Variant Classification Sherloc (09022015). Collection method: clinical testing. Allele origin: germline.
Comment: This sequence change replaces asparagine, which is neutral and polar, with threonine, which is neutral and polar, at codon 279 of the NTHL1 protein (p.Asn279Thr). This variant is not present in population databases (gnomAD no frequency). This variant has not been reported in the literature in individuals affected with NTHL1-related conditions. ClinVar contains an entry for this variant (Variation ID: 1001662). An algorithm developed to predict the effect of missense changes on protein structure and function (PolyPhen-2) suggests that this variant is likely to be disruptive. In summary, the available evidence is currently insufficient to determine the role of this variant in disease. Therefore, it has been classified as a Variant of Uncertain Significance.

Ambry Genetics
Classification: Uncertain significance for Hereditary cancer-predisposing syndrome. Last evaluated: 2024-06-30. Review status: criteria provided, single submitter. Criteria: Ambry Variant Classification Scheme 2023. Collection method: clinical testing. Allele origin: germline.
Comment: The p.N279T variant (also known as c.836A>C), located in coding exon 6 of the NTHL1 gene, results from an A to C substitution at nucleotide position 836. The asparagine at codon 279 is replaced by threonine, an amino acid with similar properties. This amino acid position is conserved. In addition, the in silico prediction for this alteration is inconclusive. Since supporting evidence is limited at this time, the clinical significance of this alteration remains unclear.